The following is an entry in ClinVar:

NM_005472.5(KCNE3):c.295C>T (p.Arg99Cys)

Gene: KCNE3 (potassium voltage-gated channel subfamily E regulatory subunit 3; minus strand). Cytogenetic location: 11q13.4.
Variant type: single nucleotide variant.
Coding change: c.295C>T on transcript NM_005472.5 (MANE Select); coding-DNA position 295, C replaced by T.
Protein change: p.Arg99Cys; replaces arginine 99 with cysteine.
Molecular consequence: missense variant.
Genome position (GRCh38, 1-based): chr11:74,457,269, G>A on the plus strand (C>T on the coding strand, the complement: KCNE3 is on the minus strand). VCF-style: chr11-74457269-G-A. GRCh37 (hg19) VCF-style: chr11-74168314-G-A.
Other names: short protein forms R99C.
Identifiers: ClinVar variation 1798151 (VCV001798151.7), dbSNP rs748088627, ClinGen allele CA6184820.

ClinVar aggregate classification (germline): Uncertain significance. Review status: criteria provided, multiple submitters, no conflicts (2 of 4 stars). 2 submissions from 2 submitters: Uncertain significance (2). Last evaluated 2022-06-14.

Conditions:
Cardiovascular phenotype. Identifiers: MedGen CN230736.
Brugada syndrome 6 (BRGDA6). Identifiers: Orphanet 130, MedGen C2751089, MONDO:0013145, OMIM 613119.

Allele frequency attached by ClinVar (database versions not stated): gnomAD exomes 0.00001; TOPMed 0.00001; ExAC 0.00002.
gnomAD v4.1: 14 of 1,613,968 alleles (0.00087%); highest among the groups gnomAD compares: Admixed American, 0.0033%; no homozygotes.

Submissions (2):

Labcorp Genetics (formerly Invitae), Labcorp
Classification: Uncertain significance for Brugada syndrome 6. Last evaluated: 2022-06-14. Review status: criteria provided, single submitter. Criteria: Invitae Variant Classification Sherloc (09022015). Collection method: clinical testing. Allele origin: germline.
Comment: This sequence change replaces arginine, which is basic and polar, with cysteine, which is neutral and slightly polar, at codon 99 of the KCNE3 protein (p.Arg99Cys). This variant is present in population databases (rs748088627, gnomAD 0.007%). This variant has not been reported in the literature in individuals affected with KCNE3-related conditions. Algorithms developed to predict the effect of missense changes on protein structure and function (SIFT, PolyPhen-2, Align-GVGD) all suggest that this variant is likely to be disruptive. In summary, the available evidence is currently insufficient to determine the role of this variant in disease. Therefore, it has been classified as a Variant of Uncertain Significance.

Ambry Genetics
Classification: Uncertain significance for Cardiovascular phenotype. Last evaluated: 2022-03-06. Review status: criteria provided, single submitter. Criteria: Ambry Variant Classification Scheme 2023. Collection method: clinical testing. Allele origin: germline.
Comment: The p.R99C variant (also known as c.295C>T), located in coding exon 1 of the KCNE3 gene, results from a C to T substitution at nucleotide position 295. The arginine at codon 99 is replaced by cysteine, an amino acid with highly dissimilar properties. This amino acid position is conserved. In addition, the in silico prediction for this alteration is inconclusive. Since supporting evidence is limited at this time, the clinical significance of this alteration remains unclear.